The following is an entry in ClinVar:

NM_000493.4(COL10A1):c.1869C>G (p.Tyr623Ter)

Genes: COL10A1 (collagen type X alpha 1 chain; minus strand), NT5DC1 (5'-nucleotidase domain containing 1; plus strand). Cytogenetic location: 6q22.1.
Variant type: single nucleotide variant.
Coding change: c.1869C>G on transcript NM_000493.4 (MANE Select); coding-DNA position 1869, C replaced by G.
Protein change: p.Tyr623Ter; replaces tyrosine 623 with a stop codon.
Molecular consequence: nonsense. On other transcripts: intron variant (1).
Genome position (GRCh38, 1-based): chr6:116,120,247, G>C on the plus strand (C>G on the coding strand, the complement: COL10A1 is on the minus strand). VCF-style: chr6-116120247-G-C. GRCh37 (hg19) VCF-style: chr6-116441410-G-C.
Other names: c.1869C>G, p.Tyr623Ter (NM_001424106.1, NM_001424107.1); c.529+2302G>C (NM_152729.3); short protein forms Y623*.
Identifiers: ClinVar variation 2821032 (VCV002821032.3), dbSNP rs2114277776, ClinGen allele CA365386582.
Genomic context (GRCh38, chr6:116,120,247, plus strand): 5'-ATCGATGATGGCACTCCCTGAAGCCTGATCCAGGTAGCCTTTGGTGTATTCATCATAGGT[G>C]TACATTACAGGGGTGCCATTCTTATACAGGCCTACCCAAACATGAGTCCCTTTCACATGC-3'

ClinVar aggregate classification (germline): Likely pathogenic (1 of 4 stars; one submission).

Submission:

Labcorp Genetics (formerly Invitae), Labcorp
Classification: Likely pathogenic. Last evaluated: 2023-12-19. Review status: criteria provided, single submitter. Criteria: Invitae Variant Classification Sherloc (09022015). Collection method: clinical testing. Allele origin: germline.
Comment: This sequence change creates a premature translational stop signal (p.Tyr623*) in the COL10A1 gene. While this is not anticipated to result in nonsense mediated decay, it is expected to disrupt the last 58 amino acid(s) of the COL10A1 protein. This variant is not present in population databases (gnomAD no frequency). This premature translational stop signal has been observed in individual(s) with clinical features of autosomal dominant metaphyseal chondrodysplasia, Schmid type (Invitae). This variant is located in a region of the COL10A1 protein where a significant number of COL10A1 nonsense and frameshift mutations have been reported in association with autosomal dominant metaphyseal chondrodysplasia (PMID: 21447328, 33764685, 36400164). In summary, the currently available evidence indicates that the variant is pathogenic, but additional data are needed to prove that conclusively. Therefore, this variant has been classified as Likely Pathogenic.

Literature cited by the submitters: PubMed 21447328; PubMed 33764685; PubMed 36400164.